The following is an entry in ClinVar:

ClinVar aggregate classification (germline): Likely pathogenic (1 of 4 stars; one submission).

Conditions:
ARID1B-Related Disorder. Identifiers: MedGen CN381337.

Submission:

Division of Genetic & Genomic Pathology, Hong Kong Children's Hospital
Classification: Likely pathogenic for ARID1B-Related Disorder. Last evaluated: 2024-10-16. Review status: criteria provided, single submitter. Criteria: ACMG Guidelines, 2015. Collection method: clinical testing. Allele origin: germline. Affected: yes.
Comment: The ARID1B c.5473G>T p.(Glu1825Ter) nonsense variant is located in the last exon and is predicted to cause protein truncation. The variant is absent from control populations (gnomAD 4.1.0) and has not been reported in human mutation databases (ClinVar and HGMD Professional v2024.3). Multiple downstream pathogenic loss-of-function ARID1B variants have been reported (PMID: 30349098). For these reasons, ARID1B c.5473G>T p.(Glu1825Ter) is classified as likely pathogenic.

Literature cited by the submitters: PubMed 30349098.

NM_001374828.1(ARID1B):c.5473G>T (p.Glu1825Ter)

Gene: ARID1B (AT-rich interaction domain 1B; plus strand). Cytogenetic location: 6q25.3.
Variant type: single nucleotide variant.
Coding change: c.5473G>T on transcript NM_001374828.1 (MANE Select); coding-DNA position 5473, G replaced by T.
Protein change: p.Glu1825Ter; replaces glutamic acid 1825 with a stop codon.
Molecular consequence: nonsense.
Genome position (GRCh38, 1-based): chr6:157,206,245, G>T. VCF-style: chr6-157206245-G-T. GRCh37 (hg19) VCF-style: chr6-157527379-G-T.
Other names: c.2974G>T, p.Glu992Ter (NM_001363725.2); c.5353G>T, p.Glu1785Ter (NM_001371656.1, NM_001374820.1); c.5602G>T, p.Glu1868Ter (NM_001438482.1); c.5515G>T, p.Glu1839Ter (NM_001438483.1); c.5383G>T, p.Glu1795Ter (NM_001438485.1); c.5356G>T, p.Glu1786Ter (NM_001438486.1); c.5293G>T, p.Glu1765Ter (NM_001438487.1); c.2815G>T, p.Glu939Ter (NM_001438488.1); and 1 more; short protein forms E1765*, E1772*, E1785*, E1786*, E1795*, E1825*, E1839*, E1868*.
Identifiers: ClinVar variation 4884417 (VCV004884417.1).
Genomic context (GRCh38, chr6:157,206,245, plus strand): 5'-CTTTTAGTCGAGTACTTTAGAAAATGCCTGATTGACATTTTTGGAATTCTTATGGAATAT[G>T]AAGTGGGAGACCCCAGCCAAAAAGCACTTGATCACAACGCAGCAAGGAAGGATGACAGCC-3'